The following is an entry in ClinVar:

ClinVar aggregate classification (germline): Uncertain significance. Review status: criteria provided, multiple submitters, no conflicts (2 of 4 stars). 2 submissions from 2 submitters: Uncertain significance (2). Last evaluated 2026-04-14.

Conditions:
Inborn genetic diseases. Identifiers: MedGen C0950123, MeSH D030342.

gnomAD v4.1: 1 of 1,614,038 alleles (0.000062%); highest among the groups gnomAD compares: Admixed American, 0.0017%; no homozygotes.

Submissions (2):

Greenwood Genetic Center Diagnostic Laboratories, Greenwood Genetic Center
Classification: Uncertain significance. Last evaluated: 2026-04-14. Review status: criteria provided, single submitter. Criteria: ACMG Guidelines, 2015. Collection method: clinical testing. Allele origin: germline.
Comment: PS4_Moderate, PM2_supporting, PP2

Ambry Genetics
Classification: Uncertain significance for Inborn genetic diseases. Last evaluated: 2025-02-25. Review status: criteria provided, single submitter. Criteria: Ambry Variant Classification Scheme 2023. Collection method: clinical testing. Allele origin: germline.

NM_004958.4(MTOR):c.2592G>C (p.Leu864Phe)

Gene: MTOR (mechanistic target of rapamycin kinase; minus strand). Cytogenetic location: 1p36.22.
Variant type: single nucleotide variant.
Coding change: c.2592G>C on transcript NM_004958.4 (MANE Select); coding-DNA position 2592, G replaced by C.
Protein change: p.Leu864Phe; replaces leucine 864 with phenylalanine.
Molecular consequence: missense variant.
Genome position (GRCh38, 1-based): chr1:11,231,357, C>G on the plus strand (G>C on the coding strand, the complement: MTOR is on the minus strand). VCF-style: chr1-11231357-C-G. GRCh37 (hg19) VCF-style: chr1-11291414-C-G.
Other names: c.2592G>C, p.Leu864Phe (NM_001386500.1); c.1344G>C, p.Leu448Phe (NM_001386501.1); short protein forms L448F, L864F.
Identifiers: ClinVar variation 3875559 (VCV003875559.2).